The following is an entry in ClinVar:

NM_017780.4(CHD7):c.2690G>C (p.Arg897Pro)

Gene: CHD7 (chromodomain helicase DNA binding protein 7; plus strand). Cytogenetic location: 8q12.2.
Variant type: single nucleotide variant.
Coding change: c.2690G>C on transcript NM_017780.4 (MANE Select); coding-DNA position 2690, G replaced by C.
Protein change: p.Arg897Pro; replaces arginine 897 with proline.
Molecular consequence: missense variant. On other transcripts: intron variant (1).
Genome position (GRCh38, 1-based): chr8:60,820,083, G>C. VCF-style: chr8-60820083-G-C. GRCh37 (hg19) VCF-style: chr8-61732642-G-C.
Other names: c.1716+39033G>C (NM_001316690.1); short protein forms R897P.
Identifiers: ClinVar variation 4709604 (VCV004709604.1).
Genomic context (GRCh38, chr8:60,820,083, plus strand): 5'-TTAATCCAGATTATGTGGAGGTTGACCGGATAATGGACTTTGCACGTAGCACAGATGACC[G>C]GGGAGAGGTAACAGGAGATCATTTGTATTACAAAGTGGTGATTCAGGCAACCCATACATG-3'
Protein context (NP_060250.2, residues 887-907): IMDFARSTDD[Arg897Pro]GEPVTHYLVK

ClinVar aggregate classification (germline): Uncertain significance (1 of 4 stars; one submission).

Conditions:
CHARGE syndrome (CHARGE). Also called: Hittner Hirsch Kreh syndrome; CHARGE ASSOCIATION--COLOBOMA, HEART ANOMALY, CHOANAL ATRESIA, RETARDATION, GENITAL AND EAR ANOMALIES; Coloboma, heart anomaly, choanal atresia, retardation, genital and ear anomalies; CHARGE association; Hall-Hittner syndrome. Identifiers: Orphanet 138, MedGen C0265354, MONDO:0008965.

Submission:

Labcorp Genetics (formerly Invitae), Labcorp
Classification: Uncertain significance for CHARGE syndrome. Last evaluated: 2025-10-03. Review status: criteria provided, single submitter. Criteria: Invitae Variant Classification Sherloc (09022015). Collection method: clinical testing. Allele origin: germline.
Comment: This sequence change replaces arginine, which is basic and polar, with proline, which is neutral and non-polar, at codon 897 of the CHD7 protein (p.Arg897Pro). This variant is not present in population databases (gnomAD no frequency). This missense change has been observed in individual(s) with idiopathic hypogonadotropic hypogonadism (PMID: 26141714). Invitae Evidence Modeling of protein sequence and biophysical properties (such as structural, functional, and spatial information, amino acid conservation, physicochemical variation, residue mobility, and thermodynamic stability) indicates that this missense variant is not expected to disrupt CHD7 protein function with a negative predictive value of 95%. In summary, the available evidence is currently insufficient to determine the role of this variant in disease. Therefore, it has been classified as a Variant of Uncertain Significance.

Literature cited by the submitters: PubMed 26141714.